The following is an entry in ClinVar:

ClinVar aggregate classification (germline): Conflicting classifications of pathogenicity. Review status: criteria provided, conflicting classifications (1 of 4 stars). 8 submissions from 8 submitters: Uncertain significance (7); Likely benign (1). Last evaluated 2025-12-26.

Conditions:
Hereditary pheochromocytoma and paraganglioma. Also called: Hereditary Paraganglioma-Pheochromocytoma Syndromes; Hereditary pheochromocytoma-paraganglioma; Hereditary paragangliomas and pheochromocytomas. Identifiers: Orphanet 29072, MedGen C4274332, MONDO:0017366.
Hereditary cancer-predisposing syndrome. Also called: Neoplastic Syndromes, Hereditary; Hereditary neoplastic syndrome; Hereditary Cancer Syndrome; Tumor predisposition. Identifiers: Orphanet 140162, MedGen C0027672, MeSH D009386, MONDO:0015356.
Gastrointestinal stromal tumor. Also called: Gastrointestinal stromal tumor, somatic; Gastrointestinal stroma tumor. Identifiers: Orphanet 44890, MedGen C0238198, MeSH D046152, MONDO:0011719, OMIM 606764, HP:0100723.
Pheochromocytoma/paraganglioma syndrome 3. Also called: Paragangliomas 3; SDHC-Related Hereditary Paraganglioma-Pheochromocytoma Syndrome (Paragangliomas 3); SDHC-Related Hereditary Paraganglioma-Pheochromocytoma Syndrome; GLOMUS TUMORS, FAMILIAL, 3. Identifiers: Orphanet 29072, MedGen C1854336, MONDO:0011544, OMIM 605373.

Allele frequency attached by ClinVar (database versions not stated): gnomAD exomes below 0.00001 and 0.00002; TOPMed below 0.00001; ExAC 0.00001; gnomAD 0.00001.
gnomAD v4.1: 27 of 1,613,902 alleles (0.0017%); highest among the groups gnomAD compares: Non-Finnish European, 0.0023%; no homozygotes.

Submissions (8):

Labcorp Genetics (formerly Invitae), Labcorp
Classification: Uncertain significance for Pheochromocytoma/paraganglioma syndrome 3; Gastrointestinal stromal tumor. Last evaluated: 2025-12-26. Review status: criteria provided, single submitter. Criteria: Invitae Variant Classification Sherloc (09022015). Collection method: clinical testing. Allele origin: germline.
Comment: This sequence change replaces tyrosine, which is neutral and polar, with histidine, which is basic and polar, at codon 99 of the SDHC protein (p.Tyr99His). This variant is present in population databases (rs760678574, gnomAD 0.002%). This variant has not been reported in the literature in individuals affected with SDHC-related conditions. ClinVar contains an entry for this variant (Variation ID: 239453). An algorithm developed to predict the effect of missense changes on protein structure and function outputs the following: PolyPhen-2: "Benign". The histidine amino acid residue is found in multiple mammalian species, which suggests that this missense change does not adversely affect protein function. In summary, the available evidence is currently insufficient to determine the role of this variant in disease. Therefore, it has been classified as a Variant of Uncertain Significance.

Color Diagnostics, LLC DBA Color Health
Classification: Uncertain significance for Hereditary pheochromocytoma and paraganglioma. Last evaluated: 2025-05-28. Review status: criteria provided, single submitter. Criteria: ACMG Guidelines, 2015. Collection method: clinical testing. Allele origin: germline.
Comment: This missense variant replaces tyrosine with histidine at codon 99 of the SDHC protein. Computational prediction suggests that this variant may not impact protein structure and function. To our knowledge, functional studies have not been reported for this variant. This variant has not been reported in individuals affected with SDHC-related disorders in the literature. This variant has been identified in 2/280304 chromosomes in the general population by the Genome Aggregation Database (gnomAD). The available evidence is insufficient to determine the role of this variant in disease conclusively. Therefore, this variant is classified as a Variant of Uncertain Significance.

Baylor Genetics
Classification: Uncertain significance for Gastrointestinal stromal tumor. Last evaluated: 2024-02-26. Review status: criteria provided, single submitter. Criteria: ACMG Guidelines, 2015. Collection method: clinical testing. Allele origin: unknown.

Ambry Genetics
Classification: Likely benign for Hereditary cancer-predisposing syndrome. Last evaluated: 2023-10-30. Review status: criteria provided, single submitter. Criteria: Ambry Variant Classification Scheme 2023. Collection method: clinical testing. Allele origin: germline.

All of Us Research Program, National Institutes of Health
Classification: Uncertain significance for Hereditary pheochromocytoma and paraganglioma. Last evaluated: 2023-03-23. Review status: criteria provided, single submitter. Criteria: ACMG Guidelines, 2015. Collection method: clinical testing. Allele origin: germline. Inheritance: Autosomal dominant inheritance. Observed: 1 variant allele, 1 heterozygote.
Comment: This missense variant replaces tyrosine with histidine at codon 99 of the SDHC protein. Computational prediction suggests that this variant may not impact protein structure and function (internally defined REVEL score threshold <= 0.5, PMID: 27666373). To our knowledge, functional studies have not been reported for this variant. This variant has not been reported in individuals affected with SDHC-related disorders in the literature. This variant has been identified in 2/280304 chromosomes in the general population by the Genome Aggregation Database (gnomAD). The available evidence is insufficient to determine the role of this variant in disease conclusively. Therefore, this variant is classified as a Variant of Uncertain Significance.

This study involves interpretation of variants in research participants for the purpose of population health screening. Participant phenotype was not available at the time of variant classification. Additional details can be found in publication PMID: 35346344, PMCID: PMC8962531

Sema4
Classification: Uncertain significance for Hereditary cancer-predisposing syndrome. Last evaluated: 2021-07-22. Review status: criteria provided, single submitter. Criteria: Sema4 Curation Guidelines. Collection method: curation. Allele origin: germline.
Comment: The SDHC c.295T>C (p.Y99H) variant has not been reported in the literature to our knowledge. It was observed in 2/126706 chromosomes of the European (non-Finnish) subpopulation in the large and broad cohorts of the Genome Aggregation Database (PMID: 32461654) and has been reported in ClinVar (Variation ID 239453). Functional studies have not been performed, and in silico predictions of the variant's effect on protein function are inconclusive. The evidence is insufficient to meet ACMG/AMP criteria for classifying the variant as benign or pathogenic. Thus, the clinical significance of this variant is currently uncertain.

Quest Diagnostics Nichols Institute San Juan Capistrano
Classification: Uncertain significance. Last evaluated: 2020-08-18. Review status: criteria provided, single submitter. Criteria: Quest Diagnostics criteria. Collection method: clinical testing. Allele origin: unknown.

GeneDx
Classification: Uncertain significance. Last evaluated: 2016-06-16. Review status: criteria provided, single submitter. Criteria: GeneDx Variant Classification (06012015). Collection method: clinical testing. Allele origin: germline. Affected: yes.
Comment: This variant is denoted SDHC c.295T>C at the cDNA level, p.Tyr99His (Y99H) at the protein level, and results in the change of a Tyrosine to a Histidine (TAT>CAT). This variant has not, to our knowledge, been published in the literature as pathogenic or benign. SDHC Tyr99His was not observed in approximately 6,500 individuals of European and African American ancestry in the NHLBI Exome Sequencing Project, suggesting it is not a common benign variant in these populations. Since Tyrosine and Histidine differ in polarity, charge, size or other properties, this is considered a non-conservative amino acid substitution. SDHC Tyr99His occurs at a position that is not conserved and is located in the mitochondrial intermembrane domain (UniProt). In silico analyses predict that this variant is unlikely to alter protein structure or function. Based on currently available evidence, it is unclear whether SDHC Tyr99His is pathogenic or benign. We consider it to be a variant of uncertain significance.

NM_003001.5(SDHC):c.295T>C (p.Tyr99His)

Gene: SDHC (succinate dehydrogenase complex subunit C; plus strand). Cytogenetic location: 1q23.3.
Variant type: single nucleotide variant.
Coding change: c.295T>C on transcript NM_003001.5 (MANE Select); coding-DNA position 295, T replaced by C.
Protein change: p.Tyr99His; replaces tyrosine 99 with histidine.
Molecular consequence: missense variant. On other transcripts: non-coding transcript variant (1), intron variant (3).
Genome position (GRCh38, 1-based): chr1:161,356,730, T>C. VCF-style: chr1-161356730-T-C. GRCh37 (hg19) VCF-style: chr1-161326520-T-C.
Other names: c.193T>C, p.Tyr65His (NM_001035512.3); c.136T>C, p.Tyr46His (NM_001035513.3); c.415T>C, p.Tyr139His (NM_001407115.1); c.238T>C, p.Tyr80His (NM_001407116.1); c.232T>C, p.Tyr78His (NM_001407117.1); c.187T>C, p.Tyr63His (NM_001407118.1); c.184T>C, p.Tyr62His (NM_001407119.1, NM_001407120.1); c.242-5599T>C (NM_001035511.3); and 2 more; short protein forms Y99H, Y46H, Y65H, Y62H, Y63H, Y139H, Y78H, Y80H.
Identifiers: ClinVar variation 239453 (VCV000239453.20), dbSNP rs760678574, ClinGen allele CA047136.
Genomic context (GRCh38, chr1:161,356,730, plus strand): 5'-TCCTCAGGGGTCTCTCTTTTTGGCATGTCGGCCCTGTTACTCCCTGGGAACTTTGAGTCT[T>C]ATTTGGAACTTGTGAAGTCCCTGTGTCTGGGGCCAGCACTGATCCACACAGCTAAGTTTG-3'
Protein context (NP_002992.1, residues 89-109): ALLLPGNFES[Tyr99His]LELVKSLCLG